The following is an entry in ClinVar:

NM_001377540.1(SLMAP):c.14T>G (p.Leu5Trp)

Gene: SLMAP (sarcolemma associated protein; plus strand). Cytogenetic location: 3p14.3.
Variant type: single nucleotide variant.
Coding change: c.14T>G on transcript NM_001377540.1 (MANE Select); coding-DNA position 14, T replaced by G.
Protein change: p.Leu5Trp; replaces leucine 5 with tryptophan.
Molecular consequence: missense variant. On other transcripts: non-coding transcript variant (1).
Genome position (GRCh38, 1-based): chr3:57,757,665, T>G. VCF-style: chr3-57757665-T-G. GRCh37 (hg19) VCF-style: chr3-57743392-T-G.
Other names: c.14T>G, p.Leu5Trp (NM_001377559.1, NM_001377562.1, NM_001377921.1 and 17 more transcripts); short protein forms L5W.
Identifiers: ClinVar variation 5029690 (VCV005029690.1).
Genomic context (GRCh38, chr3:57,757,665, plus strand): 5'-AACTCCTCTTTGTCCCTGGTAGGAGAGACACCCCCAGTCTATCCTCGATGCCGTCAGCCT[T>G]GGCCATCTTCACTTGCCGCCCGAACTCGCACCCGTTTCAGGAGCGTCATGTCTACCTGGA-3'
Protein context (NP_001364469.1, residues 1-15): MPSA[Leu5Trp]AIFTCRPNSH

ClinVar aggregate classification (germline): Uncertain significance (1 of 4 stars; one submission).

Submission:

Ambry Genetics
Classification: Uncertain significance. Last evaluated: 2026-09-14. Review status: criteria provided, single submitter. Criteria: Ambry Variant Classification Scheme 2023. Collection method: clinical testing. Allele origin: germline.
Comment: The p.L5W variant (also known as c.14T>G), located in coding exon 1 of the SLMAP gene, results from a T to G substitution at nucleotide position 14. The leucine at codon 5 is replaced by tryptophan, an amino acid with similar properties. This amino acid position is conserved. In addition, the in silico prediction for this alteration is inconclusive. Based on the available evidence, the clinical significance of this variant remains unclear.